The following is an entry in ClinVar:

NM_003070.5(SMARCA2):c.1983C>A (p.Leu661=)

Gene: SMARCA2 (SWI/SNF related BAF chromatin remodeling complex subunit ATPase 2; plus strand). Cytogenetic location: 9p24.3.
Variant type: single nucleotide variant.
Coding change: c.1983C>A on transcript NM_003070.5 (MANE Select); coding-DNA position 1983, C replaced by A.
Protein change: p.Leu661=; no amino-acid change (leucine 661 retained).
Molecular consequence: synonymous variant.
Genome position (GRCh38, 1-based): chr9:2,076,276, C>A. VCF-style: chr9-2076276-C-A. GRCh37 (hg19) VCF-style: chr9-2076276-C-A.
Other names: c.1983C>A, p.Leu661= (NM_001289396.2, NM_001289397.2, NM_139045.4).
Identifiers: ClinVar variation 1269159 (VCV001269159.31), dbSNP rs140384223, ClinGen allele CA4963336.

ClinVar aggregate classification (germline): Benign/Likely benign. Review status: criteria provided, multiple submitters, no conflicts (2 of 4 stars). 3 submissions from 3 submitters: Benign (2); Likely benign (1). Last evaluated 2025-11-12.

Allele frequency attached by ClinVar (database versions not stated): gnomAD exomes 0.00012; 1000 Genomes Project 30x 0.00016; ExAC 0.00018; 1000 Genomes Project 0.00020; ESP Exome Variant Server 0.00038; gnomAD 0.00049 and 0.00053; TOPMed 0.00055.
gnomAD v4.1: 126 of 1,612,992 alleles (0.0078%); highest among the groups gnomAD compares: African/African-American, 0.16%; no homozygotes.

Submissions (3):

Labcorp Genetics (formerly Invitae), Labcorp
Classification: Benign. Last evaluated: 2025-11-12. Review status: criteria provided, single submitter. Criteria: Invitae Variant Classification Sherloc (09022015). Collection method: clinical testing. Allele origin: germline.

CeGaT Center for Human Genetics Tuebingen
Classification: Likely benign. Last evaluated: 2023-03-01. Review status: criteria provided, single submitter. Criteria: CeGaT Center For Human Genetics Tuebingen Variant Classification Criteria Version 2. Collection method: clinical testing. Allele origin: germline. Affected: yes. Observed: 1 variant allele.
Comment: SMARCA2: BP4, BP7

GeneDx
Classification: Benign. Last evaluated: 2020-11-23. Review status: criteria provided, single submitter. Criteria: GeneDx Variant Classification Process June 2021. Collection method: clinical testing. Allele origin: germline. Affected: yes.